The following is an entry in ClinVar:

ClinVar aggregate classification (germline): Uncertain significance (1 of 4 stars; one submission).

Conditions:
ASTN2-related disorder. Also called: ASTN2-related condition.

gnomAD v4.1: 1 of 1,611,296 alleles (0.000062%); no homozygotes.

Submission:

PreventionGenetics, part of Exact Sciences
Classification: Uncertain significance for ASTN2-related condition. Last evaluated: 2025-03-10. Review status: criteria provided, single submitter. Criteria: ACMG Guidelines, 2015. Collection method: clinical testing. Allele origin: germline.
Comment: The ASTN2 c.1724C>T variant is predicted to result in the amino acid substitution p.Pro575Leu. To our knowledge, this variant has not been reported in the literature. This variant is reported in 0.0055% of alleles in individuals of East Asian descent in gnomAD. At this time, the clinical significance of this variant is uncertain due to the absence of conclusive functional and genetic evidence.

NM_001365068.1(ASTN2):c.1877C>T (p.Pro626Leu)

Gene: ASTN2 (astrotactin 2; minus strand). Cytogenetic location: 9q33.1.
Variant type: single nucleotide variant.
Coding change: c.1877C>T on transcript NM_001365068.1 (MANE Select); coding-DNA position 1877, C replaced by T.
Protein change: p.Pro626Leu; replaces proline 626 with leucine.
Molecular consequence: missense variant.
Genome position (GRCh38, 1-based): chr9:116,975,220, G>A on the plus strand (C>T on the coding strand, the complement: ASTN2 is on the minus strand). VCF-style: chr9-116975220-G-A. GRCh37 (hg19) VCF-style: chr9-119737499-G-A.
Other names: c.1865C>T, p.Pro622Leu (NM_001365069.1); c.1724C>T, p.Pro575Leu (NM_014010.5); short protein forms P575L, P626L, P622L.
Identifiers: ClinVar variation 5001724 (VCV005001724.1).
Genomic context (GRCh38, chr9:116,975,220, plus strand): 5'-CAAGGTTTTAAGAAGTACCTATGCAGAGTACTGGAGATGATTCCCTACCTGACATCTGCA[G>A]GGTCTTCCGTGACGAGCACATCGGTCTTGCAGCTGGCCAGGGGGTTGATGGACAGCTCCA-3'
Protein context (NP_001351997.1, residues 616-636): CKTDVLVTED[Pro626Leu]ADVREEAMLS